The following is an entry in ClinVar:

NM_007294.4(BRCA1):c.5320A>C (p.Asn1774His)

Gene: BRCA1 (BRCA1 DNA repair associated; minus strand). Cytogenetic location: 17q21.31.
Variant type: single nucleotide variant.
Coding change: c.5320A>C on transcript NM_007294.4 (MANE Select); coding-DNA position 5320, A replaced by C.
Protein change: p.Asn1774His; replaces asparagine 1774 with histidine.
Molecular consequence: missense variant. On other transcripts: non-coding transcript variant (1).
Genome position (GRCh38, 1-based): chr17:43,051,075, T>G on the plus strand (A>C on the coding strand, the complement: BRCA1 is on the minus strand). VCF-style: chr17-43051075-T-G. GRCh37 (hg19) VCF-style: chr17-41203092-T-G.
Other names: c.5194A>C, p.Asn1732His (NM_001407671.1, NM_001407672.1, NM_001407673.1 and 10 more transcripts); c.5191A>C, p.Asn1731His (NM_001407687.1, NM_001407688.1, NM_001407689.1 and 6 more transcripts); c.5188A>C, p.Asn1730His (NM_001407690.1, NM_001407691.1); c.5179A>C, p.Asn1727His (NM_001407692.1, NM_001407694.1, NM_001407695.1 and 13 more transcripts); c.5176A>C, p.Asn1726His (NM_001407732.1, NM_001407733.1, NM_001407734.1 and 21 more transcripts); c.5173A>C, p.Asn1725His (NM_001407838.1, NM_001407839.1, NM_001407841.1 and 12 more transcripts); c.5317A>C, p.Asn1773His (NM_001407859.1, NM_001407860.1, NM_001407610.1 and 17 more transcripts); c.5314A>C, p.Asn1772His (NM_001407861.1, NM_001407627.1, NM_001407628.1 and 14 more transcripts); and 72 more; short protein forms N1774H, N1795H, N670H, N1727H, N1477H, N1478H, N1645H, N1661H.
Identifiers: ClinVar variation 825649 (VCV000825649.13), dbSNP rs1597804254, ClinGen allele CA10590913.

ClinVar aggregate classification (germline): Uncertain significance. Review status: criteria provided, multiple submitters, no conflicts (2 of 4 stars). 3 submissions from 3 submitters: Uncertain significance (3). Last evaluated 2025-07-30.

Conditions:
Hereditary breast ovarian cancer syndrome. Also called: BRCA1- and BRCA2-Associated Hereditary Breast and Ovarian Cancer; Hereditary breast and ovarian cancer syndrome (HBOC); Hereditary breast and ovarian cancer syndrome; Breast and ovarian cancer; Hereditary breast and ovarian cancer; Hereditary breast and/or ovarian cancer syndrome. Identifiers: Orphanet 145, MedGen C0677776, MeSH D061325, MONDO:0003582. Disease mechanism: loss of function.
Hereditary cancer-predisposing syndrome. Also called: Hereditary Cancer Syndrome; Hereditary neoplastic syndrome; Neoplastic Syndromes, Hereditary; Tumor predisposition. Identifiers: Orphanet 140162, MedGen C0027672, MeSH D009386, MONDO:0015356.

Submissions (4):

Labcorp Genetics (formerly Invitae), Labcorp
Classification: Uncertain significance for Hereditary breast ovarian cancer syndrome. Last evaluated: 2025-07-30. Review status: criteria provided, single submitter. Criteria: Invitae Variant Classification Sherloc (09022015). Collection method: clinical testing. Allele origin: germline.
Comment: This sequence change replaces asparagine, which is neutral and polar, with histidine, which is basic and polar, at codon 1774 of the BRCA1 protein (p.Asn1774His). This variant is not present in population databases (gnomAD no frequency). This variant has not been reported in the literature in individuals affected with BRCA1-related conditions. ClinVar contains an entry for this variant (Variation ID: 825649). Invitae Evidence Modeling incorporating data from in vitro experimental studies (PMID: 30209399) indicates that this missense variant is not expected to disrupt BRCA1 function with a negative predictive value of 95%. Experimental studies have shown that this missense change does not substantially affect BRCA1 function (PMID: 30209399). In summary, the available evidence is currently insufficient to determine the role of this variant in disease. Therefore, it has been classified as a Variant of Uncertain Significance.

Ambry Genetics
Classification: Uncertain significance for Hereditary cancer-predisposing syndrome. Last evaluated: 2024-01-11. Review status: criteria provided, single submitter. Criteria: Ambry Variant Classification Scheme 2023. Collection method: clinical testing. Allele origin: germline.
Comment: The p.N1774H variant (also known as c.5320A>C), located in coding exon 19 of the BRCA1 gene, results from an A to C substitution at nucleotide position 5320. The asparagine at codon 1774 is replaced by histidine, an amino acid with similar properties. This amino acid position is well conserved in available vertebrate species. In addition, the in silico prediction for this alteration is inconclusive. Since supporting evidence is limited at this time, the clinical significance of this alteration remains unclear.

Blueprint Genetics
Classification: Uncertain significance. Last evaluated: 2023-09-12. Review status: criteria provided, single submitter. Criteria: ACMG Guidelines, 2015. Collection method: clinical testing. Allele origin: germline.

Brotman Baty Institute, University of Washington
No classification provided (evidence only). Condition: Breast-ovarian cancer, familial 1. Review status: no classification provided. Collection method: in vitro. Allele origin: not applicable. Functional consequence: functionally_normal. Not counted in ClinVar's aggregate classification.
ClinVar note: "not provided" was previously submitted as the classification for the variant. However, the classification appeared to be based only on an observation of functional data so it was converted to no classification on 2025-07-30.

Literature cited by the submitters: PubMed 30209399 (cited by Labcorp Genetics (formerly Invitae), Labcorp).